The following is an entry in ClinVar:

NM_000179.3(MSH6):c.918A>C (p.Gly306=)

Gene: MSH6 (mutS homolog 6; plus strand). Cytogenetic location: 2p16.3.
Variant type: single nucleotide variant.
Coding change: c.918A>C on transcript NM_000179.3 (MANE Select); coding-DNA position 918, A replaced by C.
Protein change: p.Gly306=; no amino-acid change (glycine 306 retained).
Molecular consequence: synonymous variant. On other transcripts: non-coding transcript variant (4), intron variant (1).
Genome position (GRCh38, 1-based): chr2:47,798,901, A>C. VCF-style: chr2-47798901-A-C. GRCh37 (hg19) VCF-style: chr2-48026040-A-C.
Other names: c.528A>C, p.Gly176= (NM_001281492.2); c.12A>C, p.Gly4= (NM_001281493.2, NM_001281494.2, NM_001406811.1 and 6 more transcripts); c.1014A>C, p.Gly338= (NM_001406795.1, NM_001406802.1); c.918A>C, p.Gly306= (NM_001406796.1, NM_001406798.1, NM_001406800.1 and 4 more transcripts); c.621A>C, p.Gly207= (NM_001406797.1, NM_001406801.1, NM_001406805.1 and 10 more transcripts); c.393A>C, p.Gly131= (NM_001406799.1, NM_001406806.1, NM_001406807.1); c.840A>C, p.Gly280= (NM_001406804.1); c.924A>C, p.Gly308= (NM_001406813.1); and 2 more.
Identifiers: ClinVar variation 2129098 (VCV002129098.6), dbSNP rs748436287, ClinGen allele CA426121028.
Genomic context (GRCh38, chr2:47,798,901, plus strand): 5'-GAGTGAAGGCCTGAACAGCCCTGTCAAAGTTGCTCGAAAGCGGAAGAGAATGGTGACTGG[A>C]AATGGCTCTCTTAAAAGGAAAAGCTCTAGGAAGGAAACGCCCTCAGCCACCAAACAAGCA-3'
Protein context (NP_000170.1, residues 296-316): VARKRKRMVT[Gly306=]NGSLKRKSSR

ClinVar aggregate classification (germline): Benign/Likely benign. Review status: criteria provided, multiple submitters, no conflicts (2 of 4 stars). 3 submissions from 3 submitters: Benign (1); Likely benign (2). Last evaluated 2026-02-01.

Conditions:
Hereditary nonpolyposis colorectal neoplasms. Identifiers: MedGen C0009405, MeSH D003123.
Hereditary cancer-predisposing syndrome. Also called: Hereditary neoplastic syndrome; Tumor predisposition; Hereditary Cancer Syndrome; Neoplastic Syndromes, Hereditary. Identifiers: Orphanet 140162, MedGen C0027672, MeSH D009386, MONDO:0015356.
Lynch syndrome 5 (LYNCH5). Also called: Hereditary non-polyposis colorectal cancer, type 5; Colorectal cancer, hereditary nonpolyposis, type 5. Identifiers: Orphanet 144, MedGen C1833477, MONDO:0013710, OMIM 614350. Disease mechanism: loss of function.

Allele frequency attached by ClinVar (database versions not stated): gnomAD exomes below 0.00001.
gnomAD v4.1: 2 of 1,614,190 alleles (0.00012%); highest among the groups gnomAD compares: South Asian, 0.0011%; no homozygotes.

Submissions (3):

Labcorp Genetics (formerly Invitae), Labcorp
Classification: Likely benign for Hereditary nonpolyposis colorectal neoplasms. Last evaluated: 2026-02-01. Review status: criteria provided, single submitter. Criteria: Invitae Variant Classification Sherloc (09022015). Collection method: clinical testing. Allele origin: germline.

Myriad Genetics, Inc.
Classification: Benign for Lynch syndrome 5. Last evaluated: 2024-12-20. Review status: criteria provided, single submitter. Criteria: Myriad Autosomal Dominant, Autosomal Recessive and X-Linked Classification Criteria (2023). Collection method: clinical testing. Allele origin: unknown.
Comment: This variant is considered benign. This variant is a silent/synonymous amino acid change and it is not expected to impact splicing.

Ambry Genetics
Classification: Likely benign for Hereditary cancer-predisposing syndrome. Last evaluated: 2023-10-23. Review status: criteria provided, single submitter. Criteria: Ambry Variant Classification Scheme 2023. Collection method: clinical testing. Allele origin: germline.